The following is an entry in ClinVar:

ClinVar aggregate classification (germline): Uncertain significance (1 of 4 stars; one submission).

Allele frequency attached by ClinVar (database versions not stated): TOPMed 0.00001.
gnomAD v4.1: 2 of 1,611,620 alleles (0.00012%); highest among the groups gnomAD compares: Admixed American, 0.0033%; no homozygotes.

Submission:

Labcorp Genetics (formerly Invitae), Labcorp
Classification: Uncertain significance. Last evaluated: 2022-03-09. Review status: criteria provided, single submitter. Criteria: Invitae Variant Classification Sherloc (09022015). Collection method: clinical testing. Allele origin: germline.
Comment: In summary, the available evidence is currently insufficient to determine the role of this variant in disease. Therefore, it has been classified as a Variant of Uncertain Significance. Algorithms developed to predict the effect of missense changes on protein structure and function are either unavailable or do not agree on the potential impact of this missense change (SIFT: "Deleterious"; PolyPhen-2: "Benign"; Align-GVGD: "Class C25"). This variant has not been reported in the literature in individuals affected with NBAS-related conditions. This variant is present in population databases (no rsID available, gnomAD 0.006%). This sequence change replaces alanine, which is neutral and non-polar, with proline, which is neutral and non-polar, at codon 806 of the NBAS protein (p.Ala806Pro).

NM_015909.4(NBAS):c.2416G>C (p.Ala806Pro)

Gene: NBAS (NBAS subunit of NRZ tethering complex; minus strand). Cytogenetic location: 2p24.3.
Variant type: single nucleotide variant.
Coding change: c.2416G>C on transcript NM_015909.4 (MANE Select); coding-DNA position 2416, G replaced by C.
Protein change: p.Ala806Pro; replaces alanine 806 with proline.
Molecular consequence: missense variant. On other transcripts: non-coding transcript variant (1).
Genome position (GRCh38, 1-based): chr2:15,427,718, C>G on the plus strand (G>C on the coding strand, the complement: NBAS is on the minus strand). VCF-style: chr2-15427718-C-G. GRCh37 (hg19) VCF-style: chr2-15567842-C-G.
Other names: short protein forms A806P.
Identifiers: ClinVar variation 1930167 (VCV001930167.5), dbSNP rs768797335, ClinGen allele CA345891285.
Genomic context (GRCh38, chr2:15,427,718, plus strand): 5'-AGTTCACCCATCCCACAAAGAAACAAAGATGCCTCCTGCAGGCTCATACTGACCTGCAAG[C>G]CAACTCCTCGCACCAATCTTTAGCTCGGTGTTTATGTTCATGCCAAGGAATGATCATCAG-3'
Protein context (NP_056993.2, residues 796-816): HRAKDWCEEL[Ala806Pro]CRMVVEPNLQ